The following is an entry in ClinVar:

NM_000077.5(CDKN2A):c.437A>T (p.Asp146Val)

Gene: CDKN2A (cyclin dependent kinase inhibitor 2A; minus strand). Cytogenetic location: 9p21.3.
Variant type: single nucleotide variant.
Coding change: c.437A>T on transcript NM_000077.5; coding-DNA position 437, A replaced by T.
Protein change: p.Asp146Val; replaces aspartic acid 146 with valine.
Molecular consequence: missense variant (on NM_000077.6). On other transcripts: 3 prime UTR variant (2).
Genome position (GRCh38, 1-based): chr9:21,970,922, T>A on the plus strand (A>T on the coding strand, the complement: CDKN2A is on the minus strand). VCF-style: chr9-21970922-T-A. GRCh37 (hg19) VCF-style: chr9-21970921-T-A.
Other names: c.437A>T, p.Asp146Val (NM_000077.6, NM_001195132.2); c.284A>T, p.Asp95Val (NM_001363763.2); c.*81A>T (NM_058195.4); c.*360A>T (NM_058197.5); short protein forms D95V, D146V.
Identifiers: ClinVar variation 928297 (VCV000928297.12), dbSNP rs1819681703, ClinGen allele CA373085842.
Genomic context (GRCh38, chr9:21,970,922, plus strand): 5'-AAGCTCTCAGGGTACAAATTCTCAGATCATCAGTCCTCACCTGAGGGACCTTCCGCGGCA[T>A]CTATGCGGGCATGGTTACTGCCTCTGGTGCCCCCCGCAGCCGCGCGCAGGTACCGTGCGA-3'
Protein context (NP_000068.1, residues 136-156): GTRGSNHARI[Asp146Val]AAEGPSDIPD

ClinVar aggregate classification (germline): Uncertain significance. Review status: criteria provided, multiple submitters, no conflicts (2 of 4 stars). 2 submissions from 2 submitters: Uncertain significance (2). Last evaluated 2020-04-27.

Conditions:
Familial melanoma. Also called: Hereditary melanoma; Hereditary cutaneous melanoma. Identifiers: Orphanet 618, MedGen C1512419, MONDO:0018961.
Hereditary cancer-predisposing syndrome. Also called: Tumor predisposition; Neoplastic Syndromes, Hereditary; Hereditary neoplastic syndrome; Hereditary Cancer Syndrome. Identifiers: Orphanet 140162, MedGen C0027672, MeSH D009386, MONDO:0015356.

Allele frequency attached by ClinVar (database versions not stated): gnomAD 0.00001.
gnomAD v4.1: 1 of 1,612,314 alleles (0.000062%); highest among the groups gnomAD compares: African/African-American, 0.0013%; no homozygotes.

Submissions (2):

Labcorp Genetics (formerly Invitae), Labcorp
Classification: Uncertain significance for Familial melanoma. Last evaluated: 2020-04-27. Review status: criteria provided, single submitter. Criteria: Invitae Variant Classification Sherloc (09022015). Collection method: clinical testing. Allele origin: germline.
Comment: This sequence change replaces aspartic acid with valine at codon 146 of the CDKN2A (p16INK4a) protein (p.Asp146Val). The aspartic acid residue is weakly conserved and there is a large physicochemical difference between aspartic acid and valine. This variant is not present in population databases (ExAC no frequency). This variant has not been reported in the literature in individuals with CDKN2A (p16INK4a)-related conditions. Algorithms developed to predict the effect of missense changes on protein structure and function output the following: SIFT: "Deleterious"; PolyPhen-2: "Benign"; Align-GVGD: "Class C0". The valine amino acid residue is found in multiple mammalian species, suggesting that this missense change does not adversely affect protein function. These predictions have not been confirmed by published functional studies and their clinical significance is uncertain. In summary, the available evidence is currently insufficient to determine the role of this variant in disease. Therefore, it has been classified as a Variant of Uncertain Significance.

Color Diagnostics, LLC DBA Color Health
Classification: Uncertain significance for Hereditary cancer-predisposing syndrome. Last evaluated: 2020-03-06. Review status: criteria provided, single submitter. Criteria: ACMG Guidelines, 2015. Collection method: clinical testing. Allele origin: germline.
Comment: This missense variant replaces aspartic acid with valine at codon 146 of the CDKN2A (p16INK4A) protein. Computational prediction suggests that this variant may not impact protein structure and function (internally defined REVEL score threshold <= 0.5, PMID: 27666373). Splice site prediction tools suggest that this variant may not impact RNA splicing. To our knowledge, functional studies have not been reported for this variant. This variant has not been reported in individuals affected with hereditary cancer in the literature. This variant has not been identified in the general population by the Genome Aggregation Database (gnomAD). The available evidence is insufficient to determine the role of this variant in disease conclusively. Therefore, this variant is classified as a Variant of Uncertain Significance.